The following is an entry in ClinVar:

ClinVar aggregate classification (germline): Uncertain significance (1 of 4 stars; one submission).

Submission:

Labcorp Genetics (formerly Invitae), Labcorp
Classification: Uncertain significance. Last evaluated: 2025-04-21. Review status: criteria provided, single submitter. Criteria: Invitae Variant Classification Sherloc (09022015). Collection method: clinical testing. Allele origin: germline.
Comment: This sequence change replaces lysine, which is basic and polar, with arginine, which is basic and polar, at codon 733 of the VARS2 protein (p.Lys733Arg). This variant is not present in population databases (gnomAD no frequency). This variant has not been reported in the literature in individuals affected with VARS2-related conditions. ClinVar contains an entry for this variant (Variation ID: 1368435). An algorithm developed to predict the effect of missense changes on protein structure and function outputs the following: PolyPhen-2: "Benign". The arginine amino acid residue is found in multiple mammalian species, which suggests that this missense change does not adversely affect protein function. In summary, the available evidence is currently insufficient to determine the role of this variant in disease. Therefore, it has been classified as a Variant of Uncertain Significance.

NM_020442.6(VARS2):c.2108A>G (p.Lys703Arg)

Genes: VARS2 (valyl-tRNA synthetase 2, mitochondrial; plus strand), LOC126859646 (MED14-independent group 3 enhancer GRCh37_chr6:30889690-30890889; plus strand). Cytogenetic location: 6p21.33.
Variant type: single nucleotide variant.
Coding change: c.2108A>G on transcript NM_020442.6 (MANE Select); coding-DNA position 2108, A replaced by G.
Protein change: p.Lys703Arg; replaces lysine 703 with arginine.
Molecular consequence: missense variant.
Genome position (GRCh38, 1-based): chr6:30,922,899, A>G. VCF-style: chr6-30922899-A-G. GRCh37 (hg19) VCF-style: chr6-30890676-A-G.
Other names: c.1688A>G, p.Lys563Arg (NM_001167733.3); c.2198A>G, p.Lys733Arg (NM_001167734.2); short protein forms K563R, K703R, K733R.
Identifiers: ClinVar variation 1368435 (VCV001368435.8), dbSNP rs2150565426, ClinGen allele CA363174860.
Genomic context (GRCh38, chr6:30,922,899, plus strand): 5'-AGGTCCTGGCCCTGCAGCCACAAAGGCATCTGCCACCCTTCTTCTTCCTCTGGTTGCAGA[A>G]AAAGGACTTTCCTCACGGGATCCCTGAGTGTGGGACAGATGCCCTGAGATTCACACTCTG-3'
Protein context (NP_065175.4, residues 693-713): AELAIVAAAQ[Lys703Arg]KDFPHGIPEC